The following is an entry in ClinVar:

ClinVar aggregate classification (germline): Pathogenic/Likely pathogenic. Review status: criteria provided, multiple submitters, no conflicts (2 of 4 stars). 5 submissions from 5 submitters: Pathogenic (3); Likely pathogenic (1). 1 of the submissions does not count toward it. Last evaluated 2025-05-22.

Conditions:
Frontotemporal dementia (FTD1). Also called: Frontotemporal Dementia with Parkinsonism-17 (FTDP-17); FRONTOTEMPORAL LOBAR DEGENERATION WITH TAU INCLUSIONS; FTLD WITH TAU INCLUSIONS; Dementia, frontotemporal, with or without parkinsonism; MULTIPLE SYSTEM TAUOPATHY WITH PRESENILE DEMENTIA; WILHELMSEN-LYNCH DISEASE. Identifiers: Orphanet 282, MedGen C0338451, MONDO:0017276, OMIM 600274, HP:0002145.
Alzheimer disease 3 (AD3). Also called: ALZHEIMER DISEASE, FAMILIAL, 3. Identifiers: Orphanet 1020, MedGen C1843013, MONDO:0011913, OMIM 607822.
Pick disease. Also called: Pick's disease; Pick Disease of the Brain; PICK DISEASE OF BRAIN; DEMENTIA WITH LOBAR ATROPHY AND NEURONAL CYTOPLASMIC INCLUSIONS; LOBAR ATROPHY OF BRAIN. Identifiers: Orphanet 282, MedGen C0236642, MONDO:0008243, OMIM 172700.
Acne inversa, familial, 3 (ACNINV3). Identifiers: MedGen C3151038, MONDO:0013398, OMIM 613737.

Submissions (5):

Clinical Genetics Laboratory, University Hospital Schleswig-Holstein
Classification: Pathogenic for Alzheimer disease 3. Last evaluated: 2025-05-22. Review status: criteria provided, single submitter. Criteria: ACMG Guidelines, 2015. Collection method: clinical testing. Allele origin: germline. Affected: yes. Observed: 1 heterozygote.
Comment: ACMG criteria applied: PM2, PS4_Moderate, PM5, PP1_Strong, PP3, PP2, PP4

Labcorp Genetics (formerly Invitae), Labcorp
Classification: Pathogenic for Alzheimer disease 3; Pick disease; Acne inversa, familial, 3; Frontotemporal dementia. Last evaluated: 2024-02-25. Review status: criteria provided, single submitter. Criteria: Invitae Variant Classification Sherloc (09022015). Collection method: clinical testing. Allele origin: germline.
Comment: This sequence change replaces asparagine, which is neutral and polar, with serine, which is neutral and polar, at codon 135 of the PSEN1 protein (p.Asn135Ser). This variant is not present in population databases (gnomAD no frequency). This missense change has been observed in individuals with early-onset Alzheimer's disease (AD) (PMID: 15776278, 18580586, 23383383). It has also been observed to segregate with disease in related individuals. ClinVar contains an entry for this variant (Variation ID: 98022). Advanced modeling of protein sequence and biophysical properties (such as structural, functional, and spatial information, amino acid conservation, physicochemical variation, residue mobility, and thermodynamic stability) performed at Invitae indicates that this missense variant is expected to disrupt PSEN1 protein function with a positive predictive value of 80%. This variant disrupts the p.Asn135 amino acid residue in PSEN1. Other variant(s) that disrupt this residue have been observed in individuals with PSEN1-related conditions (PMID: 9225696, 27793474), which suggests that this may be a clinically significant amino acid residue. For these reasons, this variant has been classified as Pathogenic.

Women's Health and Genetics/Laboratory Corporation of America, LabCorp
Classification: Pathogenic for Alzheimer disease 3. Last evaluated: 2023-09-26. Review status: criteria provided, single submitter. Criteria: LabCorp Variant Classification Summary - May 2015. Collection method: clinical testing. Allele origin: germline.
Comment: Variant summary: PSEN1 c.404A>G (p.Asn135Ser) results in a conservative amino acid change in the encoded protein sequence. Four of five in-silico tools predict a damaging effect of the variant on protein function. The variant was absent in 251472 control chromosomes. c.404A>G has been reported in the literature in multiple individuals affected with features of early onset Alzheimer Disease (Type 3) (example, Finckh_2005, Rudzinski_2009, Wojtas_2012, Ringman_2016). These data indicate that the variant is very likely to be associated with disease. The following publications have been ascertained in the context of this evaluation (PMID: 15776278, 33571524, 26888304, 18580586, 32105841, 23383383). Two submitters have cited clinical-significance assessments for this variant to ClinVar after 2014. All submitters classified the variant as pathogenic/likely pathogenic. Based on the evidence outlined above, the variant was classified as pathogenic.

Athena Diagnostics
Classification: Likely pathogenic. Last evaluated: 2018-07-26. Review status: criteria provided, single submitter. Criteria: Athena Diagnostics Criteria. Collection method: clinical testing. Allele origin: germline.

VIB  Department of Molecular Genetics, University of Antwerp
No classification provided. Review status: no classification provided. Collection method: not provided. Allele origin: unknown. Not counted in ClinVar's aggregate classification.

Literature cited by the submitters: PubMed 15776278 (cited by 3 submitters); PubMed 18580586 (cited by 3 submitters); PubMed 23383383 (cited by 3 submitters); PubMed 9225696 (cited by Labcorp Genetics (formerly Invitae), Labcorp); PubMed 27793474 (cited by Labcorp Genetics (formerly Invitae), Labcorp); PubMed 26888304 (cited by Women's Health and Genetics/Laboratory Corporation of America, LabCorp); PubMed 33571524 (cited by Women's Health and Genetics/Laboratory Corporation of America, LabCorp); PubMed 32105841 (cited by Women's Health and Genetics/Laboratory Corporation of America, LabCorp); PubMed 24860142 (cited by Athena Diagnostics); PubMed 21357415 (cited by Athena Diagnostics).

NM_000021.4(PSEN1):c.404A>G (p.Asn135Ser)

Gene: PSEN1 (presenilin 1; plus strand). Cytogenetic location: 14q24.2.
Variant type: single nucleotide variant.
Coding change: c.404A>G on transcript NM_000021.4 (MANE Select); coding-DNA position 404, A replaced by G.
Protein change: p.Asn135Ser; replaces asparagine 135 with serine.
Molecular consequence: missense variant.
Genome position (GRCh38, 1-based): chr14:73,173,631, A>G. VCF-style: chr14-73173631-A-G. GRCh37 (hg19) VCF-style: chr14-73640339-A-G.
Other names: c.392A>G, p.Asn131Ser (NM_007318.3); short protein forms N135S, N131S.
Identifiers: ClinVar variation 98022 (VCV000098022.13), dbSNP rs63751278, ClinGen allele CA225013.